The following is an entry in ClinVar:

NM_006231.4(POLE):c.185G>A (p.Trp62Ter)

Gene: POLE (DNA polymerase epsilon, catalytic subunit; minus strand). Cytogenetic location: 12q24.33.
Variant type: single nucleotide variant.
Coding change: c.185G>A on transcript NM_006231.4 (MANE Select); coding-DNA position 185, G replaced by A.
Protein change: p.Trp62Ter; replaces tryptophan 62 with a stop codon.
Molecular consequence: nonsense.
Genome position (GRCh38, 1-based): chr12:132,681,157, C>T on the plus strand (G>A on the coding strand, the complement: POLE is on the minus strand). VCF-style: chr12-132681157-C-T. GRCh37 (hg19) VCF-style: chr12-133257743-C-T.
Other names: short protein forms W62*.
Identifiers: ClinVar variation 566994 (VCV000566994.8), dbSNP rs1565981538, ClinGen allele CA387369721.

ClinVar aggregate classification (germline): Pathogenic (1 of 4 stars; one submission).

Submission:

Labcorp Genetics (formerly Invitae), Labcorp
Classification: Pathogenic. Last evaluated: 2022-05-11. Review status: criteria provided, single submitter. Criteria: Invitae Variant Classification Sherloc (09022015). Collection method: clinical testing. Allele origin: germline.
Comment: This sequence change creates a premature translational stop signal (p.Trp62*) in the POLE gene. It is expected to result in an absent or disrupted protein product. Loss-of-function variants in POLE are known to be pathogenic (PMID: 23230001, 25948378, 30503519). This variant is not present in population databases (gnomAD no frequency). This variant has not been reported in the literature in individuals affected with POLE-related conditions. ClinVar contains an entry for this variant (Variation ID: 566994). Algorithms developed to predict the effect of sequence changes on RNA splicing suggest that this variant may disrupt the consensus splice site. For these reasons, this variant has been classified as Pathogenic.

Literature cited by the submitters: PubMed 23230001; PubMed 25948378; PubMed 30503519.